The following is an entry in ClinVar:

NM_024876.4(COQ8B):c.737G>A (p.Ser246Asn)

Gene: COQ8B (coenzyme Q8B; minus strand). Cytogenetic location: 19q13.2.
Variant type: single nucleotide variant.
Coding change: c.737G>A on transcript NM_024876.4 (MANE Select); coding-DNA position 737, G replaced by A.
Protein change: p.Ser246Asn; replaces serine 246 with asparagine.
Molecular consequence: missense variant.
Genome position (GRCh38, 1-based): chr19:40,703,603, C>T on the plus strand (G>A on the coding strand, the complement: COQ8B is on the minus strand). VCF-style: chr19-40703603-C-T. GRCh37 (hg19) VCF-style: chr19-41209508-C-T.
Other names: c.614G>A, p.Ser205Asn (NM_001142555.3); short protein forms S205N, S246N.
Identifiers: ClinVar variation 974477 (VCV000974477.18), dbSNP rs200841458, ClinGen allele CA9450297.
Genomic context (GRCh38, chr19:40,703,603, plus strand): 5'-GCGGGCAGGGCCGCGCTCATCTTGAGTACCGCCAGCAGGTTCTGGACATCGCTCTGAATG[C>T]TCTGGGCTATGCCGGGGTACTGTAAAGGGAGAAGGGAGGGAGAGAAGGTGGGAGTCACTT-3'
Protein context (NP_079152.3, residues 236-256): VKIQYPGIAQ[Ser246Asn]IQSDVQNLLA

ClinVar aggregate classification (germline): Conflicting classifications of pathogenicity. Review status: criteria provided, conflicting classifications (1 of 4 stars). 7 submissions from 7 submitters: Pathogenic (2); Likely pathogenic (2); Uncertain significance (3). Last evaluated 2025-10-31.

Conditions:
Nephrotic syndrome, type 9 (NPHS9). Identifiers: Orphanet 656, MedGen C3809965, MONDO:0014257, OMIM 615573.

Allele frequency attached by ClinVar (database versions not stated): gnomAD 0.00004 and 0.00005; gnomAD exomes 0.00004 and 0.00006; TOPMed 0.00006; ExAC 0.00009; 1000 Genomes Project 30x 0.00016; 1000 Genomes Project 0.00020.

Submissions (7):

Dasa
Classification: Uncertain significance. Last evaluated: 2025-10-31. Review status: criteria provided, single submitter. Criteria: DASA Assertion Criteria. Collection method: clinical testing. Allele origin: germline.
Comment: NM_024876.4(COQ8B):c.737G>A (p.Ser246Asn) is a missense variant that results in the substitution of serine with asparagine. This variant has been recurrently observed in individuals with COQ8B-related disorders (PMID: 36034551; PMID: 31937884). Also, this variant is rare in population databases. The currently available literature and clinical evidence are not sufficient to establish a definitive association between this variant and the reported condition. Therefore, this variant is classified as a variant of uncertain significance.

Labcorp Genetics (formerly Invitae), Labcorp
Classification: Pathogenic. Last evaluated: 2025-10-14. Review status: criteria provided, single submitter. Criteria: Invitae Variant Classification Sherloc (09022015). Collection method: clinical testing. Allele origin: germline.
Comment: This sequence change replaces serine, which is neutral and polar, with asparagine, which is neutral and polar, at codon 246 of the COQ8B protein (p.Ser246Asn). This variant is present in population databases (rs200841458, gnomAD 0.1%). This missense change has been observed in individuals with focal segmental glomerulosclerosis (PMID: 32543055). ClinVar contains an entry for this variant (Variation ID: 974477). Invitae Evidence Modeling of protein sequence and biophysical properties (such as structural, functional, and spatial information, amino acid conservation, physicochemical variation, residue mobility, and thermodynamic stability) indicates that this missense variant is expected to disrupt COQ8B protein function with a positive predictive value of 80%. For these reasons, this variant has been classified as Pathogenic.

3billion
Classification: Pathogenic for Nephrotic syndrome, type 9. Last evaluated: 2025-08-13. Review status: criteria provided, single submitter. Criteria: ACMG Guidelines, 2015. Collection method: clinical testing. Allele origin: germline. Affected: yes.
Comment: The variant is observed at an extremely low frequency in the gnomAD v4.1.0 dataset (total allele frequency: 0.004%). Predicted Consequence/Location: Missense variant In silico tool predictions suggest no damaging effect of the variant on gene or gene product [REVEL: 0.34 (<0.4); 3Cnet: 0.02 (<0.1, specificity 0.84 and negative predicitive value 0.97)]. The same nucleotide change resulting in the same amino acid change has been previously reported to be associated with COQ8B-related disorder (ClinVar ID: VCV000974477 /PMID: 28204945 /3billion dataset). The variant has been reported to be in trans with a pathogenic variant as either compound heterozygous or homozygous in at least 4 similarly affected unrelated individuals (PMID: 28204945, 28405841, 30076350, 33413146, 33532864, 34172776). Therefore, this variant is classified as Pathogenic according to the recommendation of ACMG/AMP guideline.

GeneDx
Classification: Uncertain significance. Last evaluated: 2020-11-18. Review status: criteria provided, single submitter. Criteria: GeneDx Variant Classification Process June 2021. Collection method: clinical testing. Allele origin: germline. Affected: yes.
Comment: In silico analysis, which includes protein predictors and evolutionary conservation, supports that this variant does not alter protein structure/function; This variant is associated with the following publications: (PMID: 32543055, 28204945, 28405841, 30470792, 29382012, 32957916)

Molecular Biology Laboratory, Fundació Puigvert
Classification: Likely pathogenic for Nephrotic syndrome, type 9. Last evaluated: 2020-02-01. Review status: criteria provided, single submitter. Criteria: ACMG Guidelines, 2015. Collection method: research. Allele origin: inherited. Affected: yes. Study: KidneyPanel_2020.

Juno Genomics, Hangzhou Juno Genomics, Inc
Classification: Likely pathogenic for Nephrotic syndrome, type 9. Review status: criteria provided, single submitter. Criteria: ACMG Guidelines, 2015. Collection method: clinical testing. Allele origin: germline.
Comment: For recessive disorders, detected in trans with a pathogenic variant.;Patient's phenotype or family history is highly specific for a disease with a single genetic etiology.;Co-segregation with disease in multiple affected family members.

Precision Medicine Center, Zhengzhou University
Classification: Uncertain significance for Nephrotic syndrome, type 9. Review status: criteria provided, single submitter. Criteria: ACMG Guidelines, 2015. Collection method: research. Allele origin: germline. Affected: yes.
Comment: PM1,PM2,PP3

Literature cited by the submitters: PubMed 36034551 (cited by Dasa); PubMed 31937884 (cited by Dasa); PubMed 32543055 (cited by Labcorp Genetics (formerly Invitae), Labcorp); PubMed 34172776 (cited by 3billion); PubMed 28405841 (cited by 3billion); PubMed 33413146 (cited by 3billion); PubMed 28204945 (cited by 3billion); PubMed 30076350 (cited by 3billion); PubMed 33532864 (cited by 3billion and Molecular Biology Laboratory, Fundació Puigvert).